The following is an entry in ClinVar:

NM_020937.4(FANCM):c.1892A>G (p.Asp631Gly)

Gene: FANCM (FA complementation group M; plus strand). Cytogenetic location: 14q21.2.
Variant type: single nucleotide variant.
Coding change: c.1892A>G on transcript NM_020937.4 (MANE Select); coding-DNA position 1892, A replaced by G.
Protein change: p.Asp631Gly; replaces aspartic acid 631 with glycine.
Molecular consequence: missense variant.
Genome position (GRCh38, 1-based): chr14:45,167,053, A>G. VCF-style: chr14-45167053-A-G. GRCh37 (hg19) VCF-style: chr14-45636256-A-G.
Other names: c.1814A>G, p.Asp605Gly (NM_001308133.2); c.1892A>G, p.Asp631Gly (NM_001308134.2); short protein forms D631G, D605G.
Identifiers: ClinVar variation 565424 (VCV000565424.10), dbSNP rs753713103, ClinGen allele CA7169178.

ClinVar aggregate classification (germline): Uncertain significance. Review status: criteria provided, multiple submitters, no conflicts (2 of 4 stars). 3 submissions from 3 submitters: Uncertain significance (3). Last evaluated 2024-11-23.

Conditions:
Fanconi anemia (FA). Also called: Fanconi's anemia. Identifiers: Orphanet 84, MedGen C0015625, MeSH D005199, MONDO:0019391.
Inborn genetic diseases. Identifiers: MedGen C0950123, MeSH D030342.

Allele frequency attached by ClinVar (database versions not stated): gnomAD exomes 0.00001; TOPMed 0.00001; ExAC 0.00002; gnomAD 0.00002.

Submissions (3):

Ambry Genetics
Classification: Uncertain significance for Inborn genetic diseases. Last evaluated: 2024-11-23. Review status: criteria provided, single submitter. Criteria: Ambry Variant Classification Scheme 2023. Collection method: clinical testing. Allele origin: germline.
Comment: The p.D631G variant (also known as c.1892A>G), located in coding exon 11 of the FANCM gene, results from an A to G substitution at nucleotide position 1892. The aspartic acid at codon 631 is replaced by glycine, an amino acid with similar properties. This amino acid position is conserved. In addition, this alteration is predicted to be tolerated by in silico analysis. Based on the available evidence, the clinical significance of this variant remains unclear.

GeneDx
Classification: Uncertain significance. Last evaluated: 2024-10-13. Review status: criteria provided, single submitter. Criteria: GeneDx Variant Classification Process June 2021. Collection method: clinical testing. Allele origin: germline. Affected: yes.
Comment: Not observed at significant frequency in large population cohorts (gnomAD); In silico analysis supports that this missense variant has a deleterious effect on protein structure/function; Has not been previously published as pathogenic or benign to our knowledge

Labcorp Genetics (formerly Invitae), Labcorp
Classification: Uncertain significance for Fanconi anemia. Last evaluated: 2018-05-12. Review status: criteria provided, single submitter. Criteria: Invitae Variant Classification Sherloc (09022015). Collection method: clinical testing. Allele origin: germline.
Comment: Algorithms developed to predict the effect of missense changes on protein structure and function (SIFT, PolyPhen-2, Align-GVGD) all suggest that this variant is likely to be tolerated, but these predictions have not been confirmed by published functional studies and their clinical significance is uncertain. In summary, the available evidence is currently insufficient to determine the role of this variant in disease. Therefore, it has been classified as a Variant of Uncertain Significance. This variant has not been reported in the literature in individuals with FANCM-related disease. This variant is present in population databases (rs753713103, ExAC 0.02%). This sequence change replaces aspartic acid with glycine at codon 631 of the FANCM protein (p.Asp631Gly). The aspartic acid residue is weakly conserved and there is a moderate physicochemical difference between aspartic acid and glycine.